The following is an entry in ClinVar:

NM_001458.5(FLNC):c.212T>C (p.Ile71Thr)

Gene: FLNC (filamin C; plus strand). Cytogenetic location: 7q32.1.
Variant type: single nucleotide variant.
Coding change: c.212T>C on transcript NM_001458.5 (MANE Select); coding-DNA position 212, T replaced by C.
Protein change: p.Ile71Thr; replaces isoleucine 71 with threonine.
Molecular consequence: missense variant.
Genome position (GRCh38, 1-based): chr7:128,830,849, T>C. VCF-style: chr7-128830849-T-C. GRCh37 (hg19) VCF-style: chr7-128470903-T-C.
Other names: c.212T>C, p.Ile71Thr (NM_001127487.2); short protein forms I71T.
Identifiers: ClinVar variation 471998 (VCV000471998.13), dbSNP rs1554396387, ClinGen allele CA369216340.

ClinVar aggregate classification (germline): Uncertain significance. Review status: criteria provided, multiple submitters, no conflicts (2 of 4 stars). 3 submissions from 3 submitters: Uncertain significance (3). Last evaluated 2025-01-29.

Conditions:
Distal myopathy with posterior leg and anterior hand involvement. Also called: WILLIAMS DISTAL MYOPATHY. Identifiers: Orphanet 63273, MedGen C3279722, MONDO:0013550, OMIM 614065.
Myofibrillar myopathy 5. Also called: Filaminopathy (type); FILAMINOPATHY, AUTOSOMAL DOMINANT. Identifiers: Orphanet 171445, MedGen C1836050, MONDO:0012289, OMIM 609524.
Hypertrophic cardiomyopathy 26. Also called: Cardiomyopathy, familial hypertrophic, 26. Identifiers: Orphanet 75249, MedGen C4310749, MONDO:0014883, OMIM 617047.
Cardiovascular phenotype. Identifiers: MedGen CN230736.

Allele frequency attached by ClinVar (database versions not stated): gnomAD exomes 0.00001.

Submissions (3):

Labcorp Genetics (formerly Invitae), Labcorp
Classification: Uncertain significance for Distal myopathy with posterior leg and anterior hand involvement; Myofibrillar myopathy 5; Hypertrophic cardiomyopathy 26. Last evaluated: 2025-01-29. Review status: criteria provided, single submitter. Criteria: Invitae Variant Classification Sherloc (09022015). Collection method: clinical testing. Allele origin: germline.
Comment: This sequence change replaces isoleucine, which is neutral and non-polar, with threonine, which is neutral and polar, at codon 71 of the FLNC protein (p.Ile71Thr). This variant is not present in population databases (gnomAD no frequency). This missense change has been observed in individual(s) with FLNC-related disorders (arrhythmia and cardiomyopathy) (internal data). It has also been observed to segregate with disease in related individuals. ClinVar contains an entry for this variant (Variation ID: 471998). Invitae Evidence Modeling of protein sequence and biophysical properties (such as structural, functional, and spatial information, amino acid conservation, physicochemical variation, residue mobility, and thermodynamic stability) has been performed for this missense variant. However, the output from this modeling did not meet the statistical confidence thresholds required to predict the impact of this variant on FLNC protein function. In summary, the available evidence is currently insufficient to determine the role of this variant in disease. Therefore, it has been classified as a Variant of Uncertain Significance.

Revvity Omics, Revvity
Classification: Uncertain significance. Last evaluated: 2023-03-16. Review status: criteria provided, single submitter. Criteria: ACMG Guidelines, 2015. Collection method: clinical testing. Allele origin: germline.

Ambry Genetics
Classification: Uncertain significance for Cardiovascular phenotype. Last evaluated: 2022-01-17. Review status: criteria provided, single submitter. Criteria: Ambry Variant Classification Scheme 2023. Collection method: clinical testing. Allele origin: germline.
Comment: The p.I71T variant (also known as c.212T>C), located in coding exon 1 of the FLNC gene, results from a T to C substitution at nucleotide position 212. The isoleucine at codon 71 is replaced by threonine, an amino acid with similar properties. This amino acid position is conserved. In addition, this alteration is predicted to be deleterious by in silico analysis. Since supporting evidence is limited at this time, the clinical significance of this alteration remains unclear.